The following is an entry in ClinVar:

NM_017654.4(SAMD9):c.971A>T (p.Lys324Ile)

Gene: SAMD9 (sterile alpha motif domain containing 9; minus strand). Cytogenetic location: 7q21.2.
Variant type: single nucleotide variant.
Coding change: c.971A>T on transcript NM_017654.4 (MANE Select); coding-DNA position 971, A replaced by T.
Protein change: p.Lys324Ile; replaces lysine 324 with isoleucine.
Molecular consequence: missense variant.
Genome position (GRCh38, 1-based): chr7:93,105,127, T>A on the plus strand (A>T on the coding strand, the complement: SAMD9 is on the minus strand). VCF-style: chr7-93105127-T-A. GRCh37 (hg19) VCF-style: chr7-92734440-T-A.
Other names: c.971A>T, p.Lys324Ile (NM_001193307.2); short protein forms K324I.
Identifiers: ClinVar variation 4159174 (VCV004159174.1).

ClinVar aggregate classification (germline): Uncertain significance (1 of 4 stars; one submission).

Conditions:
Inborn genetic diseases. Identifiers: MedGen C0950123, MeSH D030342.

Submission:

Ambry Genetics
Classification: Uncertain significance for Inborn genetic diseases. Last evaluated: 2025-08-23. Review status: criteria provided, single submitter. Criteria: Ambry Variant Classification Scheme 2023. Collection method: clinical testing. Allele origin: germline.
Comment: The p.K324I variant (also known as c.971A>T), located in coding exon 1 of the SAMD9 gene, results from an A to T substitution at nucleotide position 971. The lysine at codon 324 is replaced by isoleucine, an amino acid with dissimilar properties. This amino acid position is conserved. In addition, this alteration is predicted to be tolerated by in silico analysis. Based on the available evidence, the clinical significance of this variant remains unclear.